The following is an entry in ClinVar:

ClinVar aggregate classification (germline): Pathogenic. Review status: criteria provided, multiple submitters, no conflicts (2 of 4 stars). 5 submissions from 5 submitters: Pathogenic (4). 1 of the submissions does not count toward it. Last evaluated 2022-11-08.

Conditions:
Duchenne muscular dystrophy (DMD). Also called: MUSCULAR DYSTROPHY, PSEUDOHYPERTROPHIC PROGRESSIVE, DUCHENNE TYPE; Duchenne Muscular Dystrophy (DMD). Identifiers: Orphanet 98896, MedGen C0013264, MONDO:0010679, OMIM 310200.

Submissions (5):

Labcorp Genetics (formerly Invitae), Labcorp
Classification: Pathogenic for Duchenne muscular dystrophy. Last evaluated: 2022-11-08. Review status: criteria provided, single submitter. Criteria: Invitae Variant Classification Sherloc (09022015). Collection method: clinical testing. Allele origin: germline.
Comment: For these reasons, this variant has been classified as Pathogenic. ClinVar contains an entry for this variant (Variation ID: 11257). This variant is also known as c.4622C>T. This premature translational stop signal has been observed in individual(s) with Duchenne muscular dystrophy (PMID: 7951253, 26740235). In at least one individual the variant was observed to be de novo. This variant is not present in population databases (gnomAD no frequency). This sequence change creates a premature translational stop signal (p.Gln1472*) in the DMD gene. It is expected to result in an absent or disrupted protein product. Loss-of-function variants in DMD are known to be pathogenic (PMID: 16770791, 25007885).

Revvity Omics, Revvity
Classification: Pathogenic. Last evaluated: 2021-02-16. Review status: criteria provided, single submitter. Criteria: ACMG Guidelines, 2015. Collection method: clinical testing. Allele origin: germline.

Mendelics
Classification: Pathogenic for Duchenne muscular dystrophy. Last evaluated: 2019-05-28. Review status: criteria provided, single submitter. Criteria: Mendelics Assertion Criteria 2017. Collection method: clinical testing. Allele origin: unknown.

Eurofins Ntd Llc (ga)
Classification: Pathogenic. Last evaluated: 2018-07-23. Review status: criteria provided, single submitter. Criteria: EGL ClinVar v180209 classification definitions. Collection method: clinical testing. Allele origin: germline. Observed: 1 variant allele, 1 hemizygote.

OMIM
Classification: Pathogenic for DUCHENNE MUSCULAR DYSTROPHY. Last evaluated: 1994-01-01. Review status: no assertion criteria provided. Collection method: literature only. Allele origin: germline. Not counted in ClinVar's aggregate classification.

Literature cited by the submitters: PubMed 7951253 (cited by Labcorp Genetics (formerly Invitae), Labcorp and OMIM); PubMed 26740235 (cited by Labcorp Genetics (formerly Invitae), Labcorp); PubMed 16770791 (cited by Labcorp Genetics (formerly Invitae), Labcorp); PubMed 25007885 (cited by Labcorp Genetics (formerly Invitae), Labcorp).

NM_004006.3(DMD):c.4414C>T (p.Gln1472Ter)

Gene: DMD (dystrophin; minus strand). Cytogenetic location: Xp21.1.
Variant type: single nucleotide variant.
Coding change: c.4414C>T on transcript NM_004006.3 (MANE Select); coding-DNA position 4414, C replaced by T.
Protein change: p.Gln1472Ter; replaces glutamine 1472 with a stop codon.
Molecular consequence: nonsense.
Genome position (GRCh38, 1-based): chrX:32,389,605, G>A on the plus strand (C>T on the coding strand, the complement: DMD is on the minus strand). VCF-style: chrX-32389605-G-A. GRCh37 (hg19) VCF-style: chrX-32407722-G-A.
Other names: c.4390C>T, p.Gln1464Ter (NM_000109.4); c.4402C>T, p.Gln1468Ter (NM_004009.3); c.4045C>T, p.Gln1349Ter (NM_004010.3); c.391C>T, p.Gln131Ter (NM_004011.4); c.382C>T, p.Gln128Ter (NM_004012.4); short protein forms Q1472*, Q131*, Q1468*, Q1349*, Q128*, Q1464*.
Identifiers: ClinVar variation 11257 (VCV000011257.20), dbSNP rs128626248, ClinGen allele CA341067.